The following is an entry in ClinVar:

ClinVar aggregate classification (germline): Benign (0 of 4 stars; one submission).

Conditions:
ZC3H4-related disorder. Also called: ZC3H4-related condition.

Allele frequency attached by ClinVar (database versions not stated): ESP Exome Variant Server 0.00106; TOPMed 0.00147; gnomAD 0.00275; gnomAD exomes 0.00393; 1000 Genomes Project 30x 0.00422; 1000 Genomes Project 0.00439; ExAC 0.00712.
gnomAD v4.1: 6,168 of 1,613,264 alleles (0.38%); highest among the groups gnomAD compares: South Asian, 3.6%; 97 homozygotes.

Submission:

PreventionGenetics, part of Exact Sciences
Classification: Benign for ZC3H4-related condition. Last evaluated: 2019-11-12. Review status: no assertion criteria provided. Collection method: clinical testing. Allele origin: germline.
Comment: This variant is classified as benign based on ACMG/AMP sequence variant interpretation guidelines (Richards et al. 2015 PMID: 25741868, with internal and published modifications).

NM_015168.2(ZC3H4):c.1441-5C>T

Gene: ZC3H4 (zinc finger CCCH-type containing 4; minus strand). Cytogenetic location: 19q13.32.
Variant type: single nucleotide variant.
Coding change: c.1441-5C>T on transcript NM_015168.2 (MANE Select); 5 bases into the intron before coding-DNA position 1441, C replaced by T.
Molecular consequence: intron variant.
Genome position (GRCh38, 1-based): chr19:47,072,718, G>A on the plus strand (C>T on the coding strand, the complement: ZC3H4 is on the minus strand). VCF-style: chr19-47072718-G-A. GRCh37 (hg19) VCF-style: chr19-47575975-G-A.
Identifiers: ClinVar variation 3039654 (VCV003039654.2), dbSNP rs201967193, ClinGen allele CA9535188.